The following is an entry in ClinVar:

ClinVar aggregate classification (germline): Uncertain significance (1 of 4 stars; one submission).

Conditions:
Leigh syndrome (NULS). Also called: Leigh's necrotizing encephalopathy; Leigh's disease; Leigh Syndrome (mtDNA deletion); Leigh Disease; Subacute necrotizing encephalopathy; Necrotizing encephalopathy infantile subacute of Leigh. Identifiers: Orphanet 506, MedGen C2931891, MONDO:0009723, OMIM 256000.

Submission:

Wong Mito Lab, Molecular and Human Genetics, Baylor College of Medicine
Classification: Uncertain significance for Leigh syndrome. Last evaluated: 2019-10-17. Review status: criteria provided, single submitter. Criteria: Modified ACMG Guidelines (Unpublished). Collection method: clinical testing. Allele origin: germline.
Comment: The NC_012920.1:m.8700A>T (YP_003024031.1:p.Met58Ile) variant in MTATP6 gene is interpretated to be a Uncertain Significance variant based on the modified ACMG guidelines (unpublished). This variant meets the following evidence codes: PP4

NC_012920.1(MT-ATP6):m.8700A>T

Gene: MT-ATP6 (mitochondrially encoded ATP synthase 6; plus strand).
Variant type: single nucleotide variant.
Genome position: chrM-8700-A-T.
Identifiers: ClinVar variation 692954 (VCV000692954.1), dbSNP rs1603221711, ClinGen allele CA913179638.